The following is an entry in ClinVar:

ClinVar aggregate classification (germline): Likely benign (1 of 4 stars; one submission).

Allele frequency attached by ClinVar (database versions not stated): ESP Exome Variant Server 0.00008; gnomAD 0.00015; gnomAD exomes 0.00015; TOPMed 0.00018; ExAC 0.00021.
gnomAD v4.1: 256 of 1,611,378 alleles (0.016%); highest among the groups gnomAD compares: East Asian, 0.029%; 1 homozygote.

Submission:

CeGaT Center for Human Genetics Tuebingen
Classification: Likely benign. Last evaluated: 2023-03-01. Review status: criteria provided, single submitter. Criteria: CeGaT Center For Human Genetics Tuebingen Variant Classification Criteria Version 2. Collection method: clinical testing. Allele origin: germline. Affected: yes. Observed: 1 variant allele.
Comment: PPP2R2B: BP4, BS2

NM_181675.4(PPP2R2B):c.335-6C>T

Gene: PPP2R2B (protein phosphatase 2 regulatory subunit Bbeta; minus strand). Cytogenetic location: 5q32.
Variant type: single nucleotide variant.
Coding change: c.335-6C>T on transcript NM_181675.4 (MANE Select); 6 bases into the intron before coding-DNA position 335, C replaced by T.
Molecular consequence: intron variant.
Genome position (GRCh38, 1-based): chr5:146,691,246, G>A on the plus strand (C>T on the coding strand, the complement: PPP2R2B is on the minus strand). VCF-style: chr5-146691246-G-A. GRCh37 (hg19) VCF-style: chr5-146070809-G-A.
Other names: c.509-6C>T (NM_001271900.2); c.344-6C>T (NM_181676.3); c.533-6C>T (NM_181674.3); c.302-6C>T (NM_001271948.2, NM_181678.2); c.353-6C>T (NM_001271899.1); c.275-6C>T (NM_181677.2).
Identifiers: ClinVar variation 2655886 (VCV002655886.24), dbSNP rs374115840, ClinGen allele CA3492748.